The following is an entry in ClinVar:

ClinVar aggregate classification (germline): Uncertain significance (1 of 4 stars; one submission).

gnomAD v4.1: 2 of 1,612,754 alleles (0.00012%); highest among the groups gnomAD compares: African/African-American, 0.0027%; no homozygotes.

Submission:

Labcorp Genetics (formerly Invitae), Labcorp
Classification: Uncertain significance. Last evaluated: 2025-12-11. Review status: criteria provided, single submitter. Criteria: Invitae Variant Classification Sherloc (09022015). Collection method: clinical testing. Allele origin: germline.
Comment: This sequence change replaces glutamine, which is neutral and polar, with lysine, which is basic and polar, at codon 700 of the DSG1 protein (p.Gln700Lys). This variant is not present in population databases (gnomAD no frequency). This variant has not been reported in the literature in individuals affected with DSG1-related conditions. An algorithm developed to predict the effect of missense changes on protein structure and function (PolyPhen-2) suggests that this variant is likely to be disruptive. In summary, the available evidence is currently insufficient to determine the role of this variant in disease. Therefore, it has been classified as a Variant of Uncertain Significance.

NM_001942.4(DSG1):c.2098C>A (p.Gln700Lys)

Genes: DSG1 (desmoglein 1; plus strand), DSG1-AS1 (DSG1 antisense RNA 1; minus strand). Cytogenetic location: 18q12.1.
Variant type: single nucleotide variant.
Coding change: c.2098C>A on transcript NM_001942.4 (MANE Select); coding-DNA position 2098, C replaced by A.
Protein change: p.Gln700Lys; replaces glutamine 700 with lysine.
Molecular consequence: missense variant.
Genome position (GRCh38, 1-based): chr18:31,346,196, C>A. VCF-style: chr18-31346196-C-A. GRCh37 (hg19) VCF-style: chr18-28926159-C-A.
Other names: short protein forms Q700K.
Identifiers: ClinVar variation 4763949 (VCV004763949.1).
Genomic context (GRCh38, chr18:31,346,196, plus strand): 5'-TCTATGAGGGAATGTAGAGAAGGAGGTCTGAATATGAATTTCATGGAAAGCTACTTCTGT[C>A]AGGTAAGGTCCCTAGCCACATGCCTTTCTCGCCATCCATGTGCCTGCTGCTCTTCACCAA-3'
Protein context (NP_001933.2, residues 690-710): NMNFMESYFC[Gln700Lys]KAYAYADEDE